The following is an entry in ClinVar:

NM_001127649.3(PEX26):c.692C>T (p.Ser231Leu)

Gene: PEX26 (peroxisomal biogenesis factor 26; plus strand). Cytogenetic location: 22q11.21.
Variant type: single nucleotide variant.
Coding change: c.692C>T on transcript NM_001127649.3 (MANE Select); coding-DNA position 692, C replaced by T.
Protein change: p.Ser231Leu; replaces serine 231 with leucine.
Molecular consequence: missense variant. On other transcripts: intron variant (1).
Genome position (GRCh38, 1-based): chr22:18,085,136, C>T. VCF-style: chr22-18085136-C-T. GRCh37 (hg19) VCF-style: chr22-18567902-C-T.
Other names: c.692C>T, p.Ser231Leu (NM_017929.6); c.667+1404C>T (NM_001199319.2); short protein forms S231L.
Identifiers: ClinVar variation 1380750 (VCV001380750.4), dbSNP rs2123657386, ClinGen allele CA410268507.
Genomic context (GRCh38, chr22:18,085,136, plus strand): 5'-GACATCCCTGAAGCTGTGCTCTGTCTCCCTGGCCAGGCTCTGTCTCCCACAAGTTCCTGT[C>T]ACTACCGATGTTGGTTCGCCAGCTTTGGGACTCTGCGGTGAGCCACTTCTTTTCTCTGCC-3'
Protein context (NP_001121121.1, residues 221-241): LEGSVSHKFL[Ser231Leu]LPMLVRQLWD

ClinVar aggregate classification (germline): Uncertain significance (1 of 4 stars; one submission).

Conditions:
Peroxisome biogenesis disorder 7A (Zellweger). Also called: Peroxisome biogenesis disorder 7A. Identifiers: Orphanet 912, MedGen C3888385, MONDO:0013938, OMIM 614872.
Peroxisome biogenesis disorder 7B (PBD7B). Identifiers: Orphanet 44, MedGen C3553951, MONDO:0013939, OMIM 614873.

Allele frequency attached by ClinVar (database versions not stated): gnomAD exomes below 0.00001.
gnomAD v4.1: 1 of 1,614,180 alleles (0.000062%); highest among the groups gnomAD compares: South Asian, 0.0011%; no homozygotes.

Submission:

Labcorp Genetics (formerly Invitae), Labcorp
Classification: Uncertain significance for Peroxisome biogenesis disorder 7A (Zellweger); Peroxisome biogenesis disorder 7B. Last evaluated: 2022-07-06. Review status: criteria provided, single submitter. Criteria: Invitae Variant Classification Sherloc (09022015). Collection method: clinical testing. Allele origin: germline.
Comment: In summary, the available evidence is currently insufficient to determine the role of this variant in disease. Therefore, it has been classified as a Variant of Uncertain Significance. Algorithms developed to predict the effect of missense changes on protein structure and function are either unavailable or do not agree on the potential impact of this missense change (SIFT: "Deleterious"; PolyPhen-2: "Possibly Damaging"; Align-GVGD: "Class C15"). ClinVar contains an entry for this variant (Variation ID: 1380750). This variant has not been reported in the literature in individuals affected with PEX26-related conditions. This variant is not present in population databases (gnomAD no frequency). This sequence change replaces serine, which is neutral and polar, with leucine, which is neutral and non-polar, at codon 231 of the PEX26 protein (p.Ser231Leu).